The following is an entry in ClinVar:

NM_139278.4(LGI3):c.351-1G>A

Gene: LGI3 (leucine rich repeat LGI family member 3; minus strand). Cytogenetic location: 8p21.3.
Variant type: single nucleotide variant.
Coding change: c.351-1G>A on transcript NM_139278.4 (MANE Select); the canonical splice acceptor site of the intron before coding-DNA position 351, G replaced by A.
Molecular consequence: splice acceptor variant.
Genome position (GRCh38, 1-based): chr8:22,154,214, C>T on the plus strand (G>A on the coding strand, the complement: LGI3 is on the minus strand). VCF-style: chr8-22154214-C-T. GRCh37 (hg19) VCF-style: chr8-22011727-C-T.
Identifiers: ClinVar variation 2572908 (VCV002572908.2), dbSNP rs369866919, ClinGen allele CA4663648.

ClinVar aggregate classification (germline): Conflicting classifications of pathogenicity. Review status: criteria provided, conflicting classifications (1 of 4 stars). 2 submissions from 2 submitters: Likely pathogenic (1); Uncertain significance (1). Last evaluated 2024-12-06.

Conditions:
Intellectual developmental disorder with muscle tone abnormalities and distal skeletal defects (IDDMDS). Identifiers: MedGen C5774199, MONDO:0859277, OMIM 620007.

Allele frequency attached by ClinVar (database versions not stated): ExAC 0.00001; gnomAD 0.00001; gnomAD exomes 0.00001; TOPMed 0.00003; ESP Exome Variant Server 0.00008.
gnomAD v4.1: 13 of 1,613,648 alleles (0.00081%); highest among the groups gnomAD compares: African/African-American, 0.0013%; no homozygotes.

Submissions (2):

Women's Health and Genetics/Laboratory Corporation of America, LabCorp
Classification: Likely pathogenic for Intellectual developmental disorder with muscle tone abnormalities and distal skeletal defects. Last evaluated: 2024-12-06. Review status: criteria provided, single submitter. Criteria: LabCorp Variant Classification Summary - May 2015. Collection method: clinical testing. Allele origin: germline.
Comment: Variant summary: LGI3 c.351-1G>A is located in a canonical splice-site and is predicted to affect mRNA splicing resulting in a significantly altered protein due to either exon skipping, shortening, or inclusion of intronic material. Variants that disrupt the consensus splice site are a relatively common cause of aberrant splicing and loss of LGI3 function. Several computational tools predict a significant impact on normal splicing: Four predict the variant abolishes a 3' acceptor site. However, these predictions have yet to be confirmed by functional studies. The variant allele was found at a frequency of 1.2e-05 in 251250 control chromosomes. To our knowledge, no occurrence of c.351-1G>A in individuals affected with Intellectual Developmental Disorder With Muscle Tone Abnormalities And Distal Skeletal Defects and no experimental evidence demonstrating its impact on protein function have been reported. ClinVar contains an entry for this variant (Variation ID: 2572908). Based on the evidence outlined above, the variant was classified as likely pathogenic.

GeneDx
Classification: Uncertain significance. Last evaluated: 2023-01-16. Review status: criteria provided, single submitter. Criteria: GeneDx Variant Classification Process June 2021. Collection method: clinical testing. Allele origin: germline. Affected: yes.
Comment: Canonical splice site variant in a gene or region of a gene for which loss of function is not a well-established mechanism of disease; Has not been previously published as pathogenic or benign to our knowledge; Variants in candidate genes are classified as variants of uncertain significance in accordance with ACMG guidelines (Richards et al., 2015)